The following is an entry in ClinVar:

ClinVar aggregate classification (germline): Uncertain significance. Review status: criteria provided, multiple submitters, no conflicts (2 of 4 stars). 3 submissions from 3 submitters: Uncertain significance (3). Last evaluated 2026-01-07.

Conditions:
Menkes kinky-hair syndrome (MNK). Also called: Menkes Disease; Copper transport disease; Classic Menkes Disease. Identifiers: Orphanet 565, MedGen C0022716, MONDO:0010651, OMIM 309400.
Cutis laxa, X-linked (OHS). Also called: EDS IX; Occipital horn syndrome. Identifiers: Orphanet 198, MedGen C0268353, MONDO:0010572, OMIM 304150.
X-linked distal spinal muscular atrophy type 3. Also called: SPINAL MUSCULAR ATROPHY, DISTAL, X-LINKED RECESSIVE; NEURONOPATHY, DISTAL HEREDITARY MOTOR, X-LINKED; NEUROPATHY, DISTAL HEREDITARY MOTOR, X-LINKED; ATP7A-Related Distal Motor Neuropathy. Identifiers: Orphanet 139557, MedGen C1845359, MONDO:0010338, OMIM 300489.

Submissions (3):

Labcorp Genetics (formerly Invitae), Labcorp
Classification: Uncertain significance for X-linked distal spinal muscular atrophy type 3; Cutis laxa, X-linked; Menkes kinky-hair syndrome. Last evaluated: 2026-01-07. Review status: criteria provided, single submitter. Criteria: Invitae Variant Classification Sherloc (09022015). Collection method: clinical testing. Allele origin: germline.
Comment: This sequence change replaces asparagine, which is neutral and polar, with isoleucine, which is neutral and non-polar, at codon 1174 of the ATP7A protein (p.Asn1174Ile). This variant is not present in population databases (gnomAD no frequency). This variant has not been reported in the literature in individuals affected with ATP7A-related conditions. ClinVar contains an entry for this variant (Variation ID: 234816). Invitae Evidence Modeling of protein sequence and biophysical properties (such as structural, functional, and spatial information, amino acid conservation, physicochemical variation, residue mobility, and thermodynamic stability) indicates that this missense variant is not expected to disrupt ATP7A protein function with a negative predictive value of 95%. In summary, the available evidence is currently insufficient to determine the role of this variant in disease. Therefore, it has been classified as a Variant of Uncertain Significance.

Victorian Clinical Genetics Services, Murdoch Childrens Research Institute
Classification: Uncertain significance for Menkes kinky-hair syndrome. Last evaluated: 2022-02-02. Review status: criteria provided, single submitter. Criteria: ACMG Guidelines, 2015. Collection method: clinical testing. Allele origin: germline. Inheritance: X-linked recessive inheritance.
Comment: Based on the classification scheme VCGS_Germline_v1.3.4, this variant is classified as VUS-3B Following criteria are met: 0102 - Loss of function is a known mechanism of disease in this gene and is associated with Menkes disease (MIM#309400), Occipital horn syndrome (MIM#304150) and spinal muscular atrophy, distal (MIM#300489). The genotype-phenotype correlation is dependent on amount of residual ATPase activity, while spinal muscular atrophy, distal (MIM#300489) is due to abnormal protein trafficking (GeneReviews). (I) 0109 - This gene is associated with X-linked recessive disease. However, affected female heterozygotes and compound heterozygotes with Menkes disease (MIM#309400) have been reported (PMID: 25428120). (I) 0115 - Variants in this gene are known to have variable expressivity. Intra-familial varibility has been noted for Menkes disease (MIM#309400) and inter-familial observed for Spinal muscular atrophy, distal, X-linked 3 (MIM#300489) (GeneReviews).. (I) 0200 - Variant is predicted to result in a missense amino acid change from asparagine to isoleucine. (I) 0251 - This variant is heterozygous. (I) 0301 - Variant is absent from gnomAD (both v2 and v3). (SP) 0502 - Missense variant with conflicting in silico predictions and uninformative conservation. (I) 0600 - Variant is located in the annotated cytoplasmic hydrolase domain (Uniprot, DECIPHER). (I) 0705 - No comparable missense variants have previous evidence for pathogenicity. (I) 0809 - Previous evidence of pathogenicity for this variant is inconclusive. It has been classified a variant of uncertain significance by a diagnostic laboratory in ClinVar. (I) 0905 - No published segregation evidence has been identified for this variant. (I) 1007 - No published functional evidence has been identified for this variant. (I) 1208 - Inheritance information for this variant is not currently available in this individual. (I) Legend: (SP) - Supporting pathogenic, (I) - Information, (SB) - Supporting benign

GeneDx
Classification: Uncertain significance. Last evaluated: 2016-02-19. Review status: criteria provided, single submitter. Criteria: GeneDx Variant Classification (06012015). Collection method: clinical testing. Allele origin: germline. Affected: yes.
Comment: A variant of uncertain significance has been identified in the ATP7A gene. The N1174I variant has not been published as a pathogenic variant, nor has it been reported as a benign variant to our knowledge. It was not observed in approximately 6,500 individuals of European and African American ancestry in the NHLBI Exome Sequencing Project, indicating it is not a common benign variant in these populations. The N1174I variant is a non-conservative amino acid substitution, which is likely to impact secondary protein structure as these residues differ in polarity, charge, size, and/or other properties. However, this substitution occurs at a position that is not conserved, and in silico analysis predicts this variant likely does not alter the protein structure/function. Therefore, based on the currently available information, it is unclear whether this variant is a pathogenic variant or a rare benign variant.

Literature cited by the submitters: PubMed 25428120 (cited by Victorian Clinical Genetics Services, Murdoch Childrens Research Institute).

NM_000052.7(ATP7A):c.3521A>T (p.Asn1174Ile)

Gene: ATP7A (ATPase copper transporting alpha; plus strand). Cytogenetic location: Xq21.1.
Variant type: single nucleotide variant.
Coding change: c.3521A>T on transcript NM_000052.7 (MANE Select); coding-DNA position 3521, A replaced by T.
Protein change: p.Asn1174Ile; replaces asparagine 1174 with isoleucine.
Molecular consequence: missense variant. On other transcripts: non-coding transcript variant (1).
Genome position (GRCh38, 1-based): chrX:78,038,845, A>T. VCF-style: chrX-78038845-A-T. GRCh37 (hg19) VCF-style: chrX-77294343-A-T.
Other names: c.3287A>T, p.Asn1096Ile (NM_001282224.2); short protein forms N1174I, N1096I.
Identifiers: ClinVar variation 234816 (VCV000234816.10), dbSNP rs876661235, ClinGen allele CA10577660.